The following is an entry in ClinVar:

NM_001083961.2(WDR62):c.270-15_287del

Gene: WDR62 (WD repeat domain 62; plus strand). Cytogenetic location: 19q13.12.
Variant type: Deletion.
Coding change: c.270-15_287del on transcript NM_001083961.2 (MANE Select); 15 bases into the intron before coding-DNA position 270 through coding-DNA position 287, 33 bases deleted.
Molecular consequence: splice acceptor variant.
Genome position (GRCh38, 1-based): chr19:36,059,953-36,059,985, 33 bases deleted; deleting any 33 consecutive bases within chr19:36,059,948-36,059,985 gives the same sequence; the c. name uses the placement nearest the transcript's 3' end. GRCh37 (hg19): chr19:36,550,855-36,550,887.
Other names: c.270-15_287del (NM_173636.5).
Identifiers: ClinVar variation 1333216 (VCV001333216.1), dbSNP rs2145528028, ClinGen allele CA2573054748.

ClinVar aggregate classification (germline): Likely pathogenic (1 of 4 stars; one submission).

Conditions:
Microcephaly 2, primary, autosomal recessive, with or without cortical malformations. Also called: WDR62 Primary Microcephaly; MICROCEPHALY 2, PRIMARY, AUTOSOMAL RECESSIVE, WITH CORTICAL MALFORMATIONS. Identifiers: Orphanet 2512, MedGen C1858535, MONDO:0011435, OMIM 604317.

Submission:

3billion
Classification: Likely pathogenic for Microcephaly 2, primary, autosomal recessive, with or without cortical malformations. Last evaluated: 2022-01-03. Review status: criteria provided, single submitter. Criteria: ACMG Guidelines, 2015. Collection method: clinical testing. Allele origin: germline. Affected: yes. Observed: 1 heterozygote.
Comment: Canonical splice site: predicted to alter splicing and result in a loss or disruption of normal protein function through protein truncation. Multiple pathogenic variants are reported in the predicted truncated region (PVS1_VS).It is not observed in the gnomAD v2.1.1 dataset (PM2_M). Therefore, this variant is classified as likely pathogenic according to the recommendation of ACMG/AMP guideline.